The following is an entry in ClinVar:

NM_025219.3(DNAJC5):c.500C>T (p.Thr167Ile)

Gene: DNAJC5 (DnaJ heat shock protein family (Hsp40) member C5; plus strand). Cytogenetic location: 20q13.33.
Variant type: single nucleotide variant.
Coding change: c.500C>T on transcript NM_025219.3 (MANE Select); coding-DNA position 500, C replaced by T.
Protein change: p.Thr167Ile; replaces threonine 167 with isoleucine.
Molecular consequence: missense variant.
Genome position (GRCh38, 1-based): chr20:63,931,471, C>T. VCF-style: chr20-63931471-C-T. GRCh37 (hg19) VCF-style: chr20-62562824-C-T.
Other names: short protein forms T167I.
Identifiers: ClinVar variation 2778514 (VCV002778514.3), dbSNP rs910075794, ClinGen allele CA317522874.

ClinVar aggregate classification (germline): Uncertain significance (1 of 4 stars; one submission).

Conditions:
Neuronal ceroid lipofuscinosis. Also called: Neuronal Ceroid Lipofuscinoses. Identifiers: Orphanet 216, Orphanet 79263, MedGen C0027877, MONDO:0016295. Disease mechanism: loss of function.

Allele frequency attached by ClinVar (database versions not stated): TOPMed below 0.00001.

Submission:

Labcorp Genetics (formerly Invitae), Labcorp
Classification: Uncertain significance for Neuronal ceroid lipofuscinosis. Last evaluated: 2023-12-06. Review status: criteria provided, single submitter. Criteria: Invitae Variant Classification Sherloc (09022015). Collection method: clinical testing. Allele origin: germline.
Comment: This sequence change replaces threonine, which is neutral and polar, with isoleucine, which is neutral and non-polar, at codon 167 of the DNAJC5 protein (p.Thr167Ile). This variant is not present in population databases (gnomAD no frequency). This variant has not been reported in the literature in individuals affected with DNAJC5-related conditions. An algorithm developed to predict the effect of missense changes on protein structure and function (PolyPhen-2) suggests that this variant is likely to be tolerated. In summary, the available evidence is currently insufficient to determine the role of this variant in disease. Therefore, it has been classified as a Variant of Uncertain Significance.